The following is an entry in ClinVar:

ClinVar aggregate classification (germline): Uncertain significance. Review status: criteria provided, multiple submitters, no conflicts (2 of 4 stars). 2 submissions from 2 submitters: Uncertain significance (2). Last evaluated 2022-08-04.

Conditions:
Gorlin syndrome. Also called: Nevoid Basal Cell Carcinoma Syndrome; Basal cell nevus syndrome. Identifiers: Orphanet 377, MedGen C0004779, MONDO:0007187.
Hereditary cancer-predisposing syndrome. Also called: Tumor predisposition; Neoplastic Syndromes, Hereditary; Hereditary Cancer Syndrome; Hereditary neoplastic syndrome. Identifiers: Orphanet 140162, MedGen C0027672, MeSH D009386, MONDO:0015356.

Allele frequency attached by ClinVar (database versions not stated): TOPMed below 0.00001.

Submissions (2):

Ambry Genetics
Classification: Uncertain significance for Hereditary cancer-predisposing syndrome. Last evaluated: 2022-08-04. Review status: criteria provided, single submitter. Criteria: Ambry Variant Classification Scheme 2023. Collection method: clinical testing. Allele origin: germline.
Comment: The p.Q64H variant (also known as c.192G>T), located in coding exon 1 of the PTCH1 gene, results from a G to T substitution at nucleotide position 192. The glutamine at codon 64 is replaced by histidine, an amino acid with highly similar properties. This amino acid position is conserved. In addition, the in silico prediction for this alteration is inconclusive. Since supporting evidence is limited at this time, the clinical significance of this alteration remains unclear.

Labcorp Genetics (formerly Invitae), Labcorp
Classification: Uncertain significance for Gorlin syndrome. Last evaluated: 2022-06-28. Review status: criteria provided, single submitter. Criteria: Invitae Variant Classification Sherloc (09022015). Collection method: clinical testing. Allele origin: germline.
Comment: This sequence change replaces glutamine, which is neutral and polar, with histidine, which is basic and polar, at codon 64 of the PTCH1 protein (p.Gln64His). This variant is not present in population databases (gnomAD no frequency). This variant has not been reported in the literature in individuals affected with PTCH1-related conditions. Advanced modeling of protein sequence and biophysical properties (such as structural, functional, and spatial information, amino acid conservation, physicochemical variation, residue mobility, and thermodynamic stability) performed at Invitae indicates that this missense variant is not expected to disrupt PTCH1 protein function. In summary, the available evidence is currently insufficient to determine the role of this variant in disease. Therefore, it has been classified as a Variant of Uncertain Significance.

NM_000264.5(PTCH1):c.192G>T (p.Gln64His)

Gene: PTCH1 (patched 1; minus strand). Cytogenetic location: 9q22.32.
Variant type: single nucleotide variant.
Coding change: c.192G>T on transcript NM_000264.5 (MANE Select); coding-DNA position 192, G replaced by T.
Protein change: p.Gln64His; replaces glutamine 64 with histidine.
Molecular consequence: missense variant. On other transcripts: non-coding transcript variant (1), intron variant (3).
Genome position (GRCh38, 1-based): chr9:95,508,170, C>A on the plus strand (G>T on the coding strand, the complement: PTCH1 is on the minus strand). VCF-style: chr9-95508170-C-A. GRCh37 (hg19) VCF-style: chr9-98270452-C-A.
Other names: c.192G>T, p.Gln64His (NM_001354918.2); c.199-1571G>T (NM_001083603.3); c.4-1571G>T (NM_001083602.3, NM_001354919.2); short protein forms Q64H.
Identifiers: ClinVar variation 1782858 (VCV001782858.6), dbSNP rs1843885224, ClinGen allele CA374121256.